The following is an entry in ClinVar:

ClinVar aggregate classification (germline): Likely benign. Review status: criteria provided, multiple submitters, no conflicts (2 of 4 stars). 2 submissions from 2 submitters: Likely benign (2). Last evaluated 2025-09-15.

Conditions:
Aortic aneurysm, familial thoracic 8 (AAT8). Identifiers: MedGen C3809513, MONDO:0014187, OMIM 615436.

gnomAD v4.1: 7 of 1,611,916 alleles (0.00043%); highest among the groups gnomAD compares: Non-Finnish European, 0.00059%; no homozygotes.

Submissions (2):

Labcorp Genetics (formerly Invitae), Labcorp
Classification: Likely benign for Aortic aneurysm, familial thoracic 8. Last evaluated: 2025-09-15. Review status: criteria provided, single submitter. Criteria: Invitae Variant Classification Sherloc (09022015). Collection method: clinical testing. Allele origin: germline.

GeneDx
Classification: Likely benign. Last evaluated: 2017-10-02. Review status: criteria provided, single submitter. Criteria: GeneDx Variant Classification (06012015). Collection method: clinical testing. Allele origin: germline. Affected: yes.
Comment: This variant is considered likely benign or benign based on one or more of the following criteria: it is a conservative change, it occurs at a poorly conserved position in the protein, it is predicted to be benign by multiple in silico algorithms, and/or has population frequency not consistent with disease.

NM_006258.4(PRKG1):c.2037C>T (p.Asn679=)

Gene: PRKG1 (protein kinase cGMP-dependent 1; plus strand). Cytogenetic location: 10q21.1.
Variant type: single nucleotide variant.
Coding change: c.2037C>T on transcript NM_006258.4 (MANE Select); coding-DNA position 2037, C replaced by T.
Protein change: p.Asn679=; no amino-acid change (asparagine 679 retained).
Molecular consequence: synonymous variant.
Genome position (GRCh38, 1-based): chr10:52,293,876, C>T. VCF-style: chr10-52293876-C-T. GRCh37 (hg19) VCF-style: chr10-54053636-C-T.
Other names: c.2037C>T, p.Asn679= (LRG_1135t1); c.1992C>T, p.Asn664= (LRG_1135t2, NM_001098512.3).
Identifiers: ClinVar variation 512468 (VCV000512468.4), dbSNP rs1322320716, ClinGen allele CA469504883.